The following is an entry in ClinVar:

ClinVar aggregate classification (germline): Uncertain significance. Review status: criteria provided, multiple submitters, no conflicts (2 of 4 stars). 13 submissions from 13 submitters: Uncertain significance (9). 4 of the submissions do not count toward it. Last evaluated 2026-01-27.

Conditions:
Hereditary cancer-predisposing syndrome. Also called: Neoplastic Syndromes, Hereditary; Hereditary neoplastic syndrome; Tumor predisposition; Hereditary Cancer Syndrome. Identifiers: Orphanet 140162, MedGen C0027672, MeSH D009386, MONDO:0015356.
Facial dysmorphism-immunodeficiency-livedo-short stature syndrome. Also called: Facial dysmorphism, immunodeficiency, livedo, and short stature; FILS syndrome. Identifiers: Orphanet 352712, MedGen C3554576, MONDO:0014058, OMIM 615139.
Colorectal cancer, susceptibility to, 12 (CRCS12). Also called: COLORECTAL CANCER, SUSCEPTIBILITY TO, ON CHROMOSOME 12q24. Identifiers: Orphanet 220460, MedGen C3554460, MONDO:0014038, OMIM 615083.
POLE-related disorder. Also called: POLE-related condition; POLE-related disorders.
Polymerase proofreading-related adenomatous polyposis. Also called: Polymerase proofreading associated polyposis; Polymerase proofreading–associated polyposis (PPAP). Identifiers: Orphanet 447877, MedGen C5202613, MONDO:0018653.

Allele frequency attached by ClinVar (database versions not stated): gnomAD 0.00011; TOPMed 0.00012; ExAC 0.00013; gnomAD exomes 0.00014; ESP Exome Variant Server 0.00015.
gnomAD v4.1: 131 of 1,614,092 alleles (0.0081%); highest among the groups gnomAD compares: Middle Eastern, 0.016%; no homozygotes.

Submissions (13):

Labcorp Genetics (formerly Invitae), Labcorp
Classification: Uncertain significance. Last evaluated: 2026-01-27. Review status: criteria provided, single submitter. Criteria: Invitae Variant Classification Sherloc (09022015). Collection method: clinical testing. Allele origin: germline.
Comment: This sequence change replaces histidine, which is basic and polar, with asparagine, which is neutral and polar, at codon 580 of the POLE protein (p.His580Asn). This variant is present in population databases (rs371149234, gnomAD 0.03%). This missense change has been observed in individual(s) with pancreatic cancer (PMID: 35534704). ClinVar contains an entry for this variant (Variation ID: 405759). Invitae Evidence Modeling of protein sequence and biophysical properties (such as structural, functional, and spatial information, amino acid conservation, physicochemical variation, residue mobility, and thermodynamic stability) indicates that this missense variant is not expected to disrupt POLE protein function with a negative predictive value of 80%. In summary, the available evidence is currently insufficient to determine the role of this variant in disease. Therefore, it has been classified as a Variant of Uncertain Significance.

Ambry Genetics
Classification: Uncertain significance for Hereditary cancer-predisposing syndrome. Last evaluated: 2024-12-30. Review status: criteria provided, single submitter. Criteria: Ambry Variant Classification Scheme 2023. Collection method: clinical testing. Allele origin: germline.
Comment: The p.H580N variant (also known as c.1738C>A), located in coding exon 16 of the POLE gene, results from a C to A substitution at nucleotide position 1738. The histidine at codon 580 is replaced by asparagine, an amino acid with similar properties. In one study, this variant was detected in 0/165 colorectal cancer and/or polyposis patients and was identified in control individuals from a healthy population database (Rosenthal EA et al. Hum Genet, 2018 Oct;137:795-806). This amino acid position is highly conserved in available vertebrate species. In addition, this alteration is predicted to be tolerated by in silico analysis. Based on the available evidence, the clinical significance of this variant remains unclear.

GeneDx
Classification: Uncertain significance. Last evaluated: 2024-12-04. Review status: criteria provided, single submitter. Criteria: GeneDx Variant Classification Process June 2021. Collection method: clinical testing. Allele origin: germline. Affected: yes.
Comment: In silico analysis supports that this missense variant has a deleterious effect on protein structure/function; Observed in individuals with a personal and/or family history of ovarian, pancreatic, or other cancers (PMID: 28873162, 32546565, 33939675, 35534704); This variant is associated with the following publications: (PMID: 28873162, 20951805, 32546565, 33939675, 35534704)

St. Jude Molecular Pathology, St. Jude Children's Research Hospital
Classification: Uncertain significance for Colorectal cancer, susceptibility to, 12. Last evaluated: 2024-05-27. Review status: criteria provided, single submitter. Criteria: St. Jude Assertion Criteria 2020. Collection method: clinical testing. Allele origin: germline.
Comment: The POLE c.1738C>A (p.His580Asn) variant has a maximum subpopulation frequency of 0.027% in gnomAD v2.1.1. The in silico tool REVEL is inconclusive about a pathogenic or benign effect of this variant on protein function, and to our knowledge functional studies have not been performed. This variant has been reported in the literature in an individual from either a family with an accumulation of colorectal cancers or a family with only one sporadic case of very early onset colorectal cancer (PMID: 33193653). In summary, the evidence currently available is insufficient to determine the clinical significance of this variant. It has therefore been classified as of uncertain significance.

CeGaT Center for Human Genetics Tuebingen
Classification: Uncertain significance. Last evaluated: 2024-05-01. Review status: criteria provided, single submitter. Criteria: CeGaT Center For Human Genetics Tuebingen Variant Classification Criteria Version 2. Collection method: clinical testing. Allele origin: germline. Affected: yes. Observed: 2 variant alleles.

MGZ Medical Genetics Center
Classification: Uncertain significance for Colorectal cancer, susceptibility to, 12. Last evaluated: 2022-06-13. Review status: criteria provided, single submitter. Criteria: ACMG Guidelines, 2015. Collection method: clinical testing. Allele origin: germline. Affected: yes. Observed: 1 variant allele.
Comment: ACMG criteria applied: PM2_SUP, BP4

Quest Diagnostics Nichols Institute San Juan Capistrano
Classification: Uncertain significance. Last evaluated: 2018-07-14. Review status: criteria provided, single submitter. Criteria: Quest Diagnostics criteria. Collection method: clinical testing. Allele origin: unknown.

Laboratory for Molecular Medicine, Mass General Brigham Personalized Medicine
Classification: Uncertain significance. Last evaluated: 2017-01-12. Review status: criteria provided, single submitter. Criteria: LMM Criteria. Collection method: clinical testing. Allele origin: germline. Observed: 1 variant allele.
Comment: The p.His580Asn variant in POLE has not been previously reported in individuals with colorectal cancer, but has been identified in 16/66736 of European chromoso mes by the Exome Aggregation Consortium (ExAC; d bSNP rs371149234). Computational prediction tools and conservation analysis do n ot provide strong support for or against an impact to the protein. In summary, t he clinical significance of the p.His580Asn variant is uncertain.

Breakthrough Genomics
Classification: Uncertain significance. Review status: criteria provided, single submitter. Criteria: ACMG Guidelines, 2015. Collection method: not provided. Allele origin: germline. Inheritance: Autosomal recessive inheritance. Affected: yes.

PreventionGenetics, part of Exact Sciences
Classification: Uncertain significance for POLE-related condition. Last evaluated: 2024-04-08. Review status: no assertion criteria provided. Collection method: clinical testing. Allele origin: germline. Not counted in ClinVar's aggregate classification.
Comment: The POLE c.1738C>A variant is predicted to result in the amino acid substitution p.His580Asn. This variant has been previously reported in an individual with co-occurrence of breast and thyroid cancer along with other variants in BUB1, WRN, and ERCC2 genes (Table 3, Bakos et al. 2021. PubMed ID: 34130653), as well as two individuals with invasive epithelial ovarian cancer and one healthy individual (Supp. Table 6, Song et al. 2021. PubMed ID: 32546565). This variant is reported in 0.027% of alleles in individuals of European (Non-Finnish) descent in gnomAD. In ClinVar it is interpreted as a variant of uncertain significance. At this time, the clinical significance of this variant is uncertain due to the absence of conclusive functional and genetic evidence.

Clinical Genetics DNA and cytogenetics Diagnostics Lab, Erasmus MC, Erasmus Medical Center
Classification: Uncertain significance. Review status: no assertion criteria provided. Collection method: clinical testing. Allele origin: germline. Affected: yes. Study: VKGL Data-share Consensus. Not counted in ClinVar's aggregate classification.

Department of Pathology and Laboratory Medicine, Sinai Health System
Classification: Uncertain significance for Polymerase proofreading-related adenomatous polyposis. Review status: no assertion criteria provided. Collection method: clinical testing. Allele origin: unknown. Affected: yes. Study: The Canadian Open Genetics Repository (COGR). Not counted in ClinVar's aggregate classification.
Comment: The POLE p.His580Asn variant was not identified in the literature. It was identified in dbSNP (ID: rs371149234) as unknown significance and ClinVar (classified as uncertain significance by Invitae, GeneDx, and two other submitters). The variant was identified in control databases in 38 of 282892 chromosomes at a frequency of 0.0001 (Genome Aggregation Database Feb 27, 2017). The variant was observed in the following populations: European (non-Finnish) in 35 of 129194 chromosomes (freq: 0.0003) and Latino in 3 of 35438 chromosomes (freq: 0.00009), while it was not observed in the African, Ashkenazi Jewish, East Asian, European (Finnish), Other, or South Asian populations. The p.His580 residue is conserved in mammals and computational analyses (PolyPhen-2, SIFT, AlignGVGD, BLOSUM, MutationTaster) provide inconsistent predictions regarding the impact to the protein; this information is not very predictive of pathogenicity. The variant occurs outside of the splicing consensus sequence and in silico or computational prediction software programs (SpliceSiteFinder, MaxEntScan, NNSPLICE, GeneSplicer) do not predict a difference in splicing. In summary, based on the above information, the clinical significance of this variant cannot be determined with certainty at this time. This variant is classified as a variant of uncertain significance.

Diagnostic Laboratory, Department of Genetics, University Medical Center Groningen
Classification: Uncertain significance. Review status: no assertion criteria provided. Collection method: clinical testing. Allele origin: germline. Affected: yes. Study: VKGL Data-share Consensus. Not counted in ClinVar's aggregate classification.

Literature cited by the submitters: PubMed 35534704 (cited by Labcorp Genetics (formerly Invitae), Labcorp); PubMed 30267214 (cited by Ambry Genetics).

NM_006231.4(POLE):c.1738C>A (p.His580Asn)

Gene: POLE (DNA polymerase epsilon, catalytic subunit; minus strand). Cytogenetic location: 12q24.33.
Variant type: single nucleotide variant.
Coding change: c.1738C>A on transcript NM_006231.4 (MANE Select); coding-DNA position 1738, C replaced by A.
Protein change: p.His580Asn; replaces histidine 580 with asparagine.
Molecular consequence: missense variant.
Genome position (GRCh38, 1-based): chr12:132,672,271, G>T on the plus strand (C>A on the coding strand, the complement: POLE is on the minus strand). VCF-style: chr12-132672271-G-T. GRCh37 (hg19) VCF-style: chr12-133248857-G-T.
Other names: short protein forms H580N.
Identifiers: ClinVar variation 405759 (VCV000405759.55), dbSNP rs371149234, ClinGen allele CA6893845.